The following is an entry in ClinVar:

NM_024537.4(CARS2):c.393+1G>A

Gene: CARS2 (cysteinyl-tRNA synthetase 2, mitochondrial; minus strand). Cytogenetic location: 13q34.
Variant type: single nucleotide variant.
Coding change: c.393+1G>A on transcript NM_024537.4 (MANE Select); the canonical splice donor site of the intron after coding-DNA position 393, G replaced by A.
Molecular consequence: splice donor variant.
Genome position (GRCh38, 1-based): chr13:110,701,437, C>T on the plus strand (G>A on the coding strand, the complement: CARS2 is on the minus strand). VCF-style: chr13-110701437-C-T. GRCh37 (hg19) VCF-style: chr13-111353784-C-T.
Other names: c.-607+1G>A (NM_001352252.2); c.393+1G>A (NM_001352253.3).
Identifiers: ClinVar variation 1486322 (VCV001486322.3), dbSNP rs1298568967, ClinGen allele CA388740788.

ClinVar aggregate classification (germline): Uncertain significance (1 of 4 stars; one submission).

Conditions:
Combined oxidative phosphorylation defect type 27. Also called: Combined oxidative phosphorylation deficiency 27. Identifiers: Orphanet 477774, MedGen C5567608, MONDO:0014728, OMIM 616672.

Allele frequency attached by ClinVar (database versions not stated): gnomAD 0.00001.

Submission:

Labcorp Genetics (formerly Invitae), Labcorp
Classification: Uncertain significance for Combined oxidative phosphorylation defect type 27. Last evaluated: 2021-10-20. Review status: criteria provided, single submitter. Criteria: Invitae Variant Classification Sherloc (09022015). Collection method: clinical testing. Allele origin: germline.
Comment: This sequence change affects a donor splice site in intron 3 of the CARS2 gene. It is expected to disrupt RNA splicing. Variants that disrupt the donor or acceptor splice site typically lead to a loss of protein function (PMID: 16199547), however the current clinical and genetic evidence is not sufficient to establish whether loss-of-function variants in CARS2 cause disease. This variant is not present in population databases (ExAC no frequency). This variant has not been reported in the literature in individuals affected with CARS2-related conditions. Algorithms developed to predict the effect of sequence changes on RNA splicing suggest that this variant may disrupt the consensus splice site. In summary, the available evidence is currently insufficient to determine the role of this variant in disease. Therefore, it has been classified as a Variant of Uncertain Significance.

Literature cited by the submitters: PubMed 16199547.